The following is an entry in ClinVar:

ClinVar aggregate classification (germline): Pathogenic. Review status: reviewed by expert panel (3 of 4 stars). 2 submissions from 2 submitters: Pathogenic (1). 1 of the submissions does not count toward it. Last evaluated 2016-10-18.

Conditions:
Breast-ovarian cancer, familial, susceptibility to, 2 (BROVCA2). Also called: BRCA2 Hereditary Breast and Ovarian Cancer. Identifiers: Orphanet 145, MedGen C2675520, MONDO:0012933, OMIM 612555. Disease mechanism: loss of function.

Submissions (2):

Evidence-based Network for the Interpretation of Germline Mutant Alleles (ENIGMA)
Classification: Pathogenic for Breast-ovarian cancer, familial, susceptibility to, 2. Last evaluated: 2016-10-18. Review status: reviewed by expert panel. Criteria: ENIGMA BRCA1/2 Classification Criteria (2015). Collection method: curation. Allele origin: germline.
Comment: Variant allele predicted to encode a truncated non-functional protein.

Consortium of Investigators of Modifiers of BRCA1/2 (CIMBA), c/o University of Cambridge
Classification: Pathogenic for Breast-ovarian cancer, familial, susceptibility to, 2. Last evaluated: 2015-10-02. Review status: criteria provided, single submitter. Criteria: CIMBA Mutation Classification guidelines May 2016. Collection method: clinical testing. Allele origin: germline. Not counted in ClinVar's aggregate classification.

NM_000059.4(BRCA2):c.6500T>A (p.Leu2167Ter)

Gene: BRCA2 (BRCA2 DNA repair associated; plus strand). Cytogenetic location: 13q13.1.
Variant type: single nucleotide variant.
Coding change: c.6500T>A on transcript NM_000059.4 (MANE Select); coding-DNA position 6500, T replaced by A.
Protein change: p.Leu2167Ter; replaces leucine 2167 with a stop codon.
Molecular consequence: nonsense.
Genome position (GRCh38, 1-based): chr13:32,340,855, T>A. VCF-style: chr13-32340855-T-A. GRCh37 (hg19) VCF-style: chr13-32914992-T-A.
Other names: 6728T>A; short protein forms L2167*.
Identifiers: ClinVar variation 266952 (VCV000266952.5), dbSNP rs730881543, ClinGen allele CA10589381.